The following is an entry in ClinVar:

ClinVar aggregate classification (germline): Uncertain significance (1 of 4 stars; one submission).

Allele frequency attached by ClinVar (database versions not stated): TOPMed below 0.00001; gnomAD exomes 0.00001.
gnomAD v4.1: 4 of 1,614,124 alleles (0.00025%); highest among the groups gnomAD compares: Non-Finnish European, 0.00034%; no homozygotes.

Submission:

Labcorp Genetics (formerly Invitae), Labcorp
Classification: Uncertain significance. Last evaluated: 2024-04-08. Review status: criteria provided, single submitter. Criteria: Invitae Variant Classification Sherloc (09022015). Collection method: clinical testing. Allele origin: germline.
Comment: This sequence change replaces glutamic acid, which is acidic and polar, with glutamine, which is neutral and polar, at codon 380 of the PAFAH1B1 protein (p.Glu380Gln). This variant is present in population databases (no rsID available, gnomAD 0.0009%). This variant has not been reported in the literature in individuals affected with PAFAH1B1-related conditions. ClinVar contains an entry for this variant (Variation ID: 2125799). An algorithm developed to predict the effect of missense changes on protein structure and function (PolyPhen-2) suggests that this variant is likely to be tolerated. In summary, the available evidence is currently insufficient to determine the role of this variant in disease. Therefore, it has been classified as a Variant of Uncertain Significance.

NM_000430.4(PAFAH1B1):c.1138G>C (p.Glu380Gln)

Gene: PAFAH1B1 (platelet activating factor acetylhydrolase 1b regulatory subunit 1; plus strand). Cytogenetic location: 17p13.3.
Variant type: single nucleotide variant.
Coding change: c.1138G>C on transcript NM_000430.4 (MANE Select); coding-DNA position 1138, G replaced by C.
Protein change: p.Glu380Gln; replaces glutamic acid 380 with glutamine.
Molecular consequence: missense variant.
Genome position (GRCh38, 1-based): chr17:2,680,299, G>C. VCF-style: chr17-2680299-G-C. GRCh37 (hg19) VCF-style: chr17-2583593-G-C.
Other names: short protein forms E380Q.
Identifiers: ClinVar variation 2125799 (VCV002125799.4), dbSNP rs1308269662, ClinGen allele CA397642856.